The following is an entry in ClinVar:

NM_001281740.3(FHOD3):c.3858G>T (p.Gly1286=)

Gene: FHOD3 (formin homology 2 domain containing 3; plus strand). Cytogenetic location: 18q12.2.
Variant type: single nucleotide variant.
Coding change: c.3858G>T on transcript NM_001281740.3 (MANE Select); coding-DNA position 3858, G replaced by T.
Protein change: p.Gly1286=; no amino-acid change (glycine 1286 retained).
Molecular consequence: synonymous variant.
Genome position (GRCh38, 1-based): chr18:36,742,835, G>T. VCF-style: chr18-36742835-G-T. GRCh37 (hg19) VCF-style: chr18-34322798-G-T.
Other names: c.3282G>T, p.Gly1094= (NM_001281739.3); c.3333G>T, p.Gly1111= (NM_025135.5).
Identifiers: ClinVar variation 4977675 (VCV004977675.1).

ClinVar aggregate classification (germline): Uncertain significance (1 of 4 stars; one submission).

Conditions:
FHOD3-related disorder. Also called: FHOD3-related condition.

gnomAD v4.1: 111 of 1,613,584 alleles (0.0069%); highest among the groups gnomAD compares: Non-Finnish European, 0.009%; no homozygotes.

Submission:

PreventionGenetics, part of Exact Sciences
Classification: Uncertain significance for FHOD3-related condition. Last evaluated: 2026-08-20. Review status: criteria provided, single submitter. Criteria: ACMG Guidelines, 2015. Collection method: clinical testing. Allele origin: germline.
Comment: The FHOD3 c.3858G>T variant is not predicted to result in an amino acid change (p.=). This variant is predicted to impact splicing based on splicing prediction programs (SpliceAI, Jaganathan et al. 2019. PubMed ID: 30661751). However, the use of computer prediction programs is not equivalent to functional evidence. To our knowledge, this variant has not been reported in the literature. This variant is reported in 0.0088% of alleles in individuals of European (Non-Finnish) descent in gnomAD. At this time, the clinical significance of this variant is uncertain due to the absence of conclusive functional and genetic evidence.